The following is an entry in ClinVar:

NM_001298.3(CNGA3):c.130_151dup (p.Ala51fs)

Gene: CNGA3 (cyclic nucleotide gated channel subunit alpha 3; plus strand). Cytogenetic location: 2q11.2.
Variant type: Duplication.
Coding change: c.130_151dup on transcript NM_001298.3 (MANE Select); coding-DNA positions 130 to 151, 22 bases duplicated (TCAGTGCTGCAGCCGGGGATCG).
Protein change: p.Ala51fs; shifts the reading frame from alanine 51.
Molecular consequence: frameshift variant.
Genome position (GRCh38, 1-based): chr2:98,377,715-98,377,736, TCAGTGCTGCAGCCGGGGATCG duplicated; duplicating any 22 consecutive bases within chr2:98,377,711-98,377,736 gives the same sequence; the c. name uses the placement nearest the transcript's 3' end. VCF-style (leftmost placement, unchanged base first): chr2-98377710-C-CATCGTCAGTGCTGCAGCCGGGG. GRCh37 (hg19) VCF-style: chr2-98994173-C-CATCGTCAGTGCTGCAGCCGGGG.
Other names: c.130_151dup, p.Ala51fs (NM_001079878.2); c.130_151dup22 (NM_001298.2); short protein forms A51fs.
Identifiers: ClinVar variation 599216 (VCV000599216.5), dbSNP rs1558811557, ClinGen allele CA913189829.

ClinVar aggregate classification (germline): Likely pathogenic. Review status: criteria provided, multiple submitters, no conflicts (2 of 4 stars). 3 submissions from 3 submitters: Likely pathogenic (2). 1 of the submissions does not count toward it. Last evaluated 2025-06-02.

Conditions:
Achromatopsia. Also called: Rod monochromatism. Identifiers: Orphanet 49382, MedGen C0152200, MONDO:0018852, HP:0011516.
Achromatopsia 2 (ACHM2). Also called: COLORBLINDNESS, TOTAL; ROD MONOCHROMACY 2; ROD MONOCHROMATISM 2. Identifiers: Orphanet 49382, MedGen C1857618, MONDO:0009003, OMIM 216900.

Submissions (3):

First Genomix Gene Laboratory, Genetic Diagnostics Department
Classification: Likely pathogenic for Achromatopsia 2. Last evaluated: 2025-06-02. Review status: criteria provided, single submitter. Criteria: ACMG Guidelines, 2015. Collection method: clinical testing. Allele origin: germline. Inheritance: Autosomal recessive inheritance. Affected: no. Observed: 1 variant allele.

Tehran Medical Genetics Laboratory
Classification: Likely pathogenic for Achromatopsia 2. Last evaluated: 2018-09-26. Review status: criteria provided, single submitter. Criteria: ACMG Guidelines, 2015. Collection method: clinical testing. Allele origin: germline. Inheritance: Autosomal recessive inheritance. Affected: yes. Observed: 1 homozygote.
Comment: The c.130_151dup p.(Ala51Valfs*16) creates a shift in the reading frame starting at codon 51. The new reading frame ends in a stop codon 15 positions downstream. This variant has been confirmed by Sanger sequencing and it is classified as likely pathogenic (class 2) according to the recommendations of Centogene and ACMG.

Sharon lab, Hadassah-Hebrew University Medical Center
Classification: Pathogenic for achromatopsia. Last evaluated: 2019-06-23. Review status: no assertion criteria provided. Collection method: research. Allele origin: inherited. Affected: yes. Not counted in ClinVar's aggregate classification.